The following is an entry in ClinVar:

NM_002519.3(NPAT):c.1903C>G (p.Pro635Ala)

Gene: NPAT (nuclear protein, coactivator of histone transcription; minus strand). Cytogenetic location: 11q22.3.
Variant type: single nucleotide variant.
Coding change: c.1903C>G on transcript NM_002519.3 (MANE Select); coding-DNA position 1903, C replaced by G.
Protein change: p.Pro635Ala; replaces proline 635 with alanine.
Molecular consequence: missense variant.
Genome position (GRCh38, 1-based): chr11:108,173,081, G>C on the plus strand (C>G on the coding strand, the complement: NPAT is on the minus strand). VCF-style: chr11-108173081-G-C. GRCh37 (hg19) VCF-style: chr11-108043808-G-C.
Other names: c.1903C>G, p.Pro635Ala (NM_001321307.1); short protein forms P635A.
Identifiers: ClinVar variation 2567960 (VCV002567960.2), dbSNP rs562490380, ClinGen allele CA382514109.

ClinVar aggregate classification (germline): Uncertain significance (1 of 4 stars; one submission).

Submission:

Ambry Genetics
Classification: Uncertain significance. Last evaluated: 2023-03-26. Review status: criteria provided, single submitter. Criteria: Ambry Variant Classification Scheme 2023. Collection method: clinical testing. Allele origin: germline.
Comment: The p.P635A variant (also known as c.1903C>G), located in coding exon 13 of the NPAT gene, results from a C to G substitution at nucleotide position 1903. The proline at codon 635 is replaced by alanine, an amino acid with highly similar properties. This amino acid position is conserved. In addition, this alteration is predicted to be tolerated by in silico analysis. Since supporting evidence is limited at this time, the clinical significance of this alteration remains unclear.